The following is an entry in ClinVar:

ClinVar aggregate classification (germline): Uncertain significance (1 of 4 stars; one submission).

Conditions:
Congenital sideroblastic anemia-B-cell immunodeficiency-periodic fever-developmental delay syndrome. Also called: Sideroblastic anemia with B-cell immunodeficiency, periodic fevers, and developmental delay. Identifiers: Orphanet 369861, MedGen C4015172, MONDO:0014487, OMIM 616084.

Allele frequency attached by ClinVar (database versions not stated): gnomAD exomes below 0.00001.
gnomAD v4.1: 1 of 1,613,902 alleles (0.000062%); highest among the groups gnomAD compares: Non-Finnish European, 0.000085%; no homozygotes.

Submission:

Labcorp Genetics (formerly Invitae), Labcorp
Classification: Uncertain significance for Congenital sideroblastic anemia-B-cell immunodeficiency-periodic fever-developmental delay syndrome. Last evaluated: 2021-06-24. Review status: criteria provided, single submitter. Criteria: Invitae Variant Classification Sherloc (09022015). Collection method: clinical testing. Allele origin: germline.
Comment: In summary, the available evidence is currently insufficient to determine the role of this variant in disease. Therefore, it has been classified as a Variant of Uncertain Significance. Algorithms developed to predict the effect of missense changes on protein structure and function output the following: SIFT: "Tolerated"; PolyPhen-2: "Benign"; Align-GVGD: "Class C0". The valine amino acid residue is found in multiple mammalian species, suggesting that this missense change does not adversely affect protein function. These predictions have not been confirmed by published functional studies and their clinical significance is uncertain. This variant has not been reported in the literature in individuals with TRNT1-related conditions. This variant is not present in population databases (ExAC no frequency). This sequence change replaces leucine with valine at codon 295 of the TRNT1 protein (p.Leu295Val). The leucine residue is weakly conserved and there is a small physicochemical difference between leucine and valine.

NM_182916.3(TRNT1):c.883C>G (p.Leu295Val)

Gene: TRNT1 (tRNA nucleotidyl transferase 1; plus strand). Cytogenetic location: 3p26.2.
Variant type: single nucleotide variant.
Coding change: c.883C>G on transcript NM_182916.3 (MANE Select); coding-DNA position 883, C replaced by G.
Protein change: p.Leu295Val; replaces leucine 295 with valine.
Molecular consequence: missense variant. On other transcripts: non-coding transcript variant (8).
Genome position (GRCh38, 1-based): chr3:3,147,530, C>G. VCF-style: chr3-3147530-C-G. GRCh37 (hg19) VCF-style: chr3-3189214-C-G.
Other names: c.823C>G, p.Leu275Val (NM_001302946.2); c.883C>G, p.Leu295Val (NM_001367321.1, NM_001367322.1, NM_001367323.1); short protein forms L275V, L295V.
Identifiers: ClinVar variation 1491546 (VCV001491546.8), dbSNP rs2126036773, ClinGen allele CA351447536.